The following is an entry in ClinVar:

ClinVar aggregate classification (germline): Uncertain significance (1 of 4 stars; one submission).

Conditions:
Muscular dystrophy-dystroglycanopathy type B6 (MDDGB6). Also called: MUSCULAR DYSTROPHY-DYSTROGLYCANOPATHY (CONGENITAL WITH IMPAIRED INTELLECTUAL DEVELOPMENT), TYPE B, 6; MUSCULAR DYSTROPHY, CONGENITAL, LARGE-RELATED; MUSCULAR DYSTROPHY, CONGENITAL, TYPE 1D. Identifiers: MedGen C1837229, MONDO:0012138, OMIM 608840.

Allele frequency attached by ClinVar (database versions not stated): gnomAD exomes below 0.00001.
gnomAD v4.1: 1 of 1,614,172 alleles (0.000062%); highest among the groups gnomAD compares: Non-Finnish European, 0.000085%; no homozygotes.

Submission:

Labcorp Genetics (formerly Invitae), Labcorp
Classification: Uncertain significance for Muscular dystrophy-dystroglycanopathy type B6. Last evaluated: 2022-04-22. Review status: criteria provided, single submitter. Criteria: Invitae Variant Classification Sherloc (09022015). Collection method: clinical testing. Allele origin: germline.
Comment: In summary, the available evidence is currently insufficient to determine the role of this variant in disease. Therefore, it has been classified as a Variant of Uncertain Significance. Algorithms developed to predict the effect of missense changes on protein structure and function are either unavailable or do not agree on the potential impact of this missense change (SIFT: "Tolerated"; PolyPhen-2: "Probably Damaging"; Align-GVGD: "Class C0"). This variant has not been reported in the literature in individuals affected with LARGE1-related conditions. This variant is not present in population databases (gnomAD no frequency). This sequence change replaces proline, which is neutral and non-polar, with alanine, which is neutral and non-polar, at codon 707 of the LARGE1 protein (p.Pro707Ala).

NM_133642.5(LARGE1):c.2119C>G (p.Pro707Ala)

Gene: LARGE1 (LARGE xylosyl- and glucuronyltransferase 1; minus strand). Cytogenetic location: 22q12.3.
Variant type: single nucleotide variant.
Coding change: c.2119C>G on transcript NM_133642.5 (MANE Select); coding-DNA position 2119, C replaced by G.
Protein change: p.Pro707Ala; replaces proline 707 with alanine.
Molecular consequence: missense variant.
Genome position (GRCh38, 1-based): chr22:33,274,579, G>C on the plus strand (C>G on the coding strand, the complement: LARGE1 is on the minus strand). VCF-style: chr22-33274579-G-C. GRCh37 (hg19) VCF-style: chr22-33670565-G-C.
Other names: c.2119C>G, p.Pro707Ala (NM_001362949.2, NM_001362951.2, NM_001362953.2 and 4 more transcripts); c.1972C>G, p.Pro658Ala (NM_001378627.1, NM_001378628.1); c.1963C>G, p.Pro655Ala (NM_001378629.1); c.1516C>G, p.Pro506Ala (NM_001378630.1); c.1213C>G, p.Pro405Ala (NM_001378631.1); short protein forms P405A, P506A, P658A, P655A, P707A.
Identifiers: ClinVar variation 2143194 (VCV002143194.3), dbSNP rs2546544542, ClinGen allele CA411542519.
Genomic context (GRCh38, chr22:33,274,579, plus strand): 5'-GACAGATGCGGTATTGCTTGTTGGAACGGAACTTGGTAATGTCGAAGCTGGGGGCATGAG[G>C]CATGTGGATCATGTAGGCGTTGGGCAGCACAATGAACTCATACTCCTGGAAGAAGACAAG-3'
Protein context (NP_598397.1, residues 697-717): VLPNAYMIHM[Pro707Ala]HAPSFDITKF